The following is an entry in ClinVar:

NM_198576.4(AGRN):c.979C>T (p.Pro327Ser)

Gene: AGRN (agrin; plus strand). Cytogenetic location: 1p36.33.
Variant type: single nucleotide variant.
Coding change: c.979C>T on transcript NM_198576.4 (MANE Select); coding-DNA position 979, C replaced by T.
Protein change: p.Pro327Ser; replaces proline 327 with serine.
Molecular consequence: missense variant.
Genome position (GRCh38, 1-based): chr1:1,041,504, C>T. VCF-style: chr1-1041504-C-T. GRCh37 (hg19) VCF-style: chr1-976884-C-T.
Other names: c.979C>T, p.Pro327Ser (NM_001305275.2); c.664C>T, p.Pro222Ser (NM_001364727.2); c.979C>T (NM_198576.3); short protein forms P222S, P327S.
Identifiers: ClinVar variation 2039188 (VCV002039188.3), dbSNP rs769352074, ClinGen allele CA507967.

ClinVar aggregate classification (germline): Uncertain significance. Review status: criteria provided, multiple submitters, no conflicts (2 of 4 stars). 2 submissions from 2 submitters: Uncertain significance (2). Last evaluated 2025-08-11.

Conditions:
Inborn genetic diseases. Identifiers: MedGen C0950123, MeSH D030342.
Congenital myasthenic syndrome 8. Also called: Myasthenic syndrome, congenital, 8, with pre- and postsynaptic defects; MYASTHENIC SYNDROME, CONGENITAL, DUE TO AGRIN DEFICIENCY. Identifiers: Orphanet 590, MedGen C3808739, MONDO:0014052, OMIM 615120.

Allele frequency attached by ClinVar (database versions not stated): ExAC 0.00003; gnomAD 0.00005; TOPMed 0.00006; gnomAD exomes 0.00007.
gnomAD v4.1: 107 of 1,598,278 alleles (0.0067%); highest among the groups gnomAD compares: Non-Finnish European, 0.0087%; no homozygotes.

Submissions (2):

Ambry Genetics
Classification: Uncertain significance for Inborn genetic diseases. Last evaluated: 2025-08-11. Review status: criteria provided, single submitter. Criteria: Ambry Variant Classification Scheme 2023. Collection method: clinical testing. Allele origin: germline.

Labcorp Genetics (formerly Invitae), Labcorp
Classification: Uncertain significance for Congenital myasthenic syndrome 8. Last evaluated: 2023-11-27. Review status: criteria provided, single submitter. Criteria: Invitae Variant Classification Sherloc (09022015). Collection method: clinical testing. Allele origin: germline.
Comment: This sequence change replaces proline, which is neutral and non-polar, with serine, which is neutral and polar, at codon 327 of the AGRN protein (p.Pro327Ser). This variant is present in population databases (rs769352074, gnomAD 0.005%). This variant has not been reported in the literature in individuals affected with AGRN-related conditions. ClinVar contains an entry for this variant (Variation ID: 2039188). An algorithm developed to predict the effect of missense changes on protein structure and function (PolyPhen-2) suggests that this variant is likely to be disruptive. In summary, the available evidence is currently insufficient to determine the role of this variant in disease. Therefore, it has been classified as a Variant of Uncertain Significance.